The following is an entry in ClinVar:

ClinVar aggregate classification (germline): Pathogenic/Likely pathogenic. Review status: criteria provided, multiple submitters, no conflicts (2 of 4 stars). 3 submissions from 3 submitters: Pathogenic (1); Likely pathogenic (2). Last evaluated 2026-03-05.

Conditions:
Tumor predisposition syndrome 3 (TPDS3). Also called: Glioma susceptibility 9; LONG TELOMERE SYNDROME, POT1-RELATED; POT1 Tumor Predisposition; Melanoma, cutaneous malignant, susceptibility to, 10. Identifiers: Orphanet 618, MedGen C4014476, MONDO:0014368, OMIM 615848.
Hereditary cancer-predisposing syndrome. Also called: Hereditary neoplastic syndrome; Hereditary Cancer Syndrome; Neoplastic Syndromes, Hereditary; Tumor predisposition. Identifiers: Orphanet 140162, MedGen C0027672, MeSH D009386, MONDO:0015356.

Allele frequency attached by ClinVar (database versions not stated): gnomAD exomes below 0.00001; ExAC 0.00001.

Submissions (4):

Ambry Genetics
Classification: Likely pathogenic for Hereditary cancer-predisposing syndrome. Last evaluated: 2026-03-05. Review status: criteria provided, single submitter. Criteria: Ambry Variant Classification Scheme 2023. Collection method: clinical testing. Allele origin: germline.
Comment: The c.255G>A variant (also known as p.K85K), located in coding exon 3 of the POT1 gene, results from a G to A substitution at nucleotide position 255. This nucleotide substitution does not change the amino acid at codon 85. However, this change occurs in the last base pair of coding exon 3, which makes it likely to have some effect on normal mRNA splicing. This nucleotide position is highly conserved in available vertebrate species. In silico splice site analysis predicts that this alteration will weaken the native splice donor site. RNA studies have demonstrated that this variant results in abnormal splicing in the set of samples tested (Potrony M et al. Br J Dermatol, 2019 Jul;181:105-113). This variant was reported in individual(s) with features consistent with POT1-related tumor predisposition syndrome (Potrony M et al. Br J Dermatol, 2019 Jul;181:105-113). Based on the majority of available evidence to date, this variant is likely to be pathogenic.

Genetic Services Laboratory, University of Chicago
Classification: Likely pathogenic. Last evaluated: 2023-06-07. Review status: criteria provided, single submitter. Criteria: ACMG Guidelines, 2015. Collection method: clinical testing. Allele origin: germline. Affected: yes.
Comment: DNA sequence analysis of the POT1 gene demonstrated a sequence change, c.255G>A, in the last base of exon 7. This silent sequence change occurs at the intron/exon boundary, near the canonical splice donor site. This sequence change has been previously described in two related individuals with a history of cutaneous melanoma (PMID: 30451293). This sequence change has been described in the gnomAD database in one individual which corresponds to a population frequency of 0.0004%% (dbSNP rs747851551). This sequence change is predicted to affect normal splicing of the POT1 gene and result in an abnormal protein. mRNA studies on carriers of the c.255G>A variant demonstrated that this variant results in skipping of exon 7 (PMID: 30451293). These collective evidences indicate that this sequence change is likely pathogenic.

Labcorp Genetics (formerly Invitae), Labcorp
Classification: Pathogenic for Tumor predisposition syndrome 3. Last evaluated: 2022-08-01. Review status: criteria provided, single submitter. Criteria: Invitae Variant Classification Sherloc (09022015). Collection method: clinical testing. Allele origin: germline.
Comment: For these reasons, this variant has been classified as Pathogenic. This sequence change affects codon 85 of the POT1 mRNA. It is a 'silent' change, meaning that it does not change the encoded amino acid sequence of the POT1 protein. RNA analysis indicates that this variant induces altered splicing and may result in an absent or disrupted protein product. This variant is present in population databases (rs747851551, gnomAD 0.0009%). This variant has been observed in individual(s) with melanoma (PMID: 30451293; Invitae). ClinVar contains an entry for this variant (Variation ID: 486150). Variants that disrupt the consensus splice site are a relatively common cause of aberrant splicing (PMID: 17576681, 9536098). Studies have shown that this variant results in skipping of exon 7 and introduces a premature termination codon (PMID: 30451293; Invitae). The resulting mRNA is expected to undergo nonsense-mediated decay.

Dr. Peter K. Rogan Lab, Western University
No classification provided (evidence only). Condition: Sarcoma. Review status: no classification provided. Collection method: in vitro. Allele origin: not applicable. Functional consequence: skipped exon. Not counted in ClinVar's aggregate classification.

Literature cited by the submitters: PubMed 30451293 (cited by Ambry Genetics and Labcorp Genetics (formerly Invitae), Labcorp); PubMed 17576681 (cited by Labcorp Genetics (formerly Invitae), Labcorp); PubMed 9536098 (cited by Labcorp Genetics (formerly Invitae), Labcorp).

NM_015450.3(POT1):c.255G>A (p.Lys85=)

Gene: POT1 (protection of telomeres 1; minus strand). Cytogenetic location: 7q31.33.
Variant type: single nucleotide variant.
Coding change: c.255G>A on transcript NM_015450.3 (MANE Select); coding-DNA position 255, G replaced by A.
Protein change: p.Lys85=; no amino-acid change (lysine 85 retained).
Molecular consequence: synonymous variant. On other transcripts: non-coding transcript variant (3), intron variant (1).
Genome position (GRCh38, 1-based): chr7:124,870,911, C>T on the plus strand (G>A on the coding strand, the complement: POT1 is on the minus strand). VCF-style: chr7-124870911-C-T. GRCh37 (hg19) VCF-style: chr7-124510965-C-T.
Other names: c.-138-7271G>A (NM_001042594.2).
Identifiers: ClinVar variation 486150 (VCV000486150.15), dbSNP rs747851551, ClinGen allele CA4465482.
Genomic context (GRCh38, chr7:124,870,911, plus strand): 5'-CAGTGAACAATACAGAGTTCTCTTCAAATAAATATAAGTTCTAGACAATATGAATTATAC[C>T]TTCAGCCTGTGAAAGCGAACAATATCTCCATTTTTATAAATTATTGGAAGGGCTTCATAG-3'
Protein context (NP_056265.2, residues 75-95): NGDIVRFHRL[Lys85=]IQVYKKETQG